The following is an entry in ClinVar:

NM_006164.5(NFE2L2):c.89T>C (p.Leu30Pro)

Gene: NFE2L2 (NFE2 like bZIP transcription factor 2; minus strand). Cytogenetic location: 2q31.2.
Variant type: single nucleotide variant.
Coding change: c.89T>C on transcript NM_006164.5 (MANE Select); coding-DNA position 89, T replaced by C.
Protein change: p.Leu30Pro; replaces leucine 30 with proline.
Molecular consequence: missense variant. On other transcripts: 5 prime UTR variant (1).
Genome position (GRCh38, 1-based): chr2:177,234,228, A>G on the plus strand (T>C on the coding strand, the complement: NFE2L2 is on the minus strand). VCF-style: chr2-177234228-A-G. GRCh37 (hg19) VCF-style: chr2-178098956-A-G.
Other names: c.41T>C, p.Leu14Pro (NM_001145412.3, NM_001145413.3, NM_001313900.1 and 1 more transcripts); c.89T>C, p.Leu30Pro (NM_001313902.2, NM_001313903.2); c.-141T>C (NM_001313904.1); short protein forms L14P, L30P.
Identifiers: ClinVar variation 1428934 (VCV001428934.9), dbSNP rs2105459482, ClinGen allele CA349381840.

ClinVar aggregate classification (germline): Conflicting classifications of pathogenicity. Review status: criteria provided, conflicting classifications (1 of 4 stars). 2 submissions from 2 submitters: Likely pathogenic (1); Uncertain significance (1). Last evaluated 2022-02-02.

Conditions:
Immunodeficiency, developmental delay, and hypohomocysteinemia. Identifiers: MedGen C4540293, MONDO:0060591, OMIM 617744.

Submissions (2):

Victorian Clinical Genetics Services, Murdoch Childrens Research Institute
Classification: Likely pathogenic for Immunodeficiency, developmental delay, and hypohomocysteinemia. Last evaluated: 2022-02-02. Review status: criteria provided, single submitter. Criteria: ACMG Guidelines, 2015. Collection method: clinical testing. Allele origin: germline. Inheritance: Autosomal dominant inheritance. Affected: yes.
Comment: Based on the classification scheme VCGS_Germline_v1.3.4, this variant is classified as likely pathogenic. Following criteria are met: 0101 - Gain of function is a known mechanism of disease in this gene and is associated with immunodeficiency, developmental delay, and hypohomocysteinemia (MIM#617744). Missense variants in the DLG and ETGE motifs, have been shown to significantly increase NRF2 expression and cause the upregulation of genes involved in the oxidative stress response. (PMID: 29018201). (I) 0107 - This gene is associated with autosomal dominant disease. (I) 0200 - Variant is predicted to result in a missense amino acid change from leucine to proline. (I) 0251 - This variant is heterozygous. (I) 0301 - Variant is absent from gnomAD (both v2 and v3). (SP) 0502 - Missense variant with conflicting in silico predictions and uninformative conservation. (I) 0601 - Variant is located in the well-established functional DLG motif. The DLG motif is essential for binding with the KEAP1 protein and the ubiquitination of NRF2. Missense variants in the DLG motif have been reported to significantly increase NRF2 expression and cause the upregulation of genes involved in the oxidative stress response (PMID: 29018201). (SP) 0705 - No comparable missense variants have previous evidence for pathogenicity. (I) 0807 - This variant has no previous evidence of pathogenicity. (I) 0905 - No published segregation evidence has been identified for this variant. (I) 1007 - No published functional evidence has been identified for this variant. (I) 1102 - Strong phenotype match for this individual. (SP) Legend: (SP) - Supporting pathogenic, (I) - Information, (SB) - Supporting benign

Labcorp Genetics (formerly Invitae), Labcorp
Classification: Uncertain significance. Last evaluated: 2021-05-20. Review status: criteria provided, single submitter. Criteria: Invitae Variant Classification Sherloc (09022015). Collection method: clinical testing. Allele origin: germline.
Comment: In summary, the available evidence is currently insufficient to determine the role of this variant in disease. Therefore, it has been classified as a Variant of Uncertain Significance. Algorithms developed to predict the effect of missense changes on protein structure and function (SIFT, PolyPhen-2, Align-GVGD) all suggest that this variant is likely to be disruptive, but these predictions have not been confirmed by published functional studies and their clinical significance is uncertain. This variant has not been reported in the literature in individuals with NFE2L2-related conditions. This variant is not present in population databases (ExAC no frequency). This sequence change replaces leucine with proline at codon 30 of the NFE2L2 protein (p.Leu30Pro). The leucine residue is highly conserved and there is a moderate physicochemical difference between leucine and proline.

Literature cited by the submitters: PubMed 29018201 (cited by Victorian Clinical Genetics Services, Murdoch Childrens Research Institute).